The following is an entry in ClinVar:

NM_015570.4(AUTS2):c.646G>C (p.Gly216Arg)

Gene: AUTS2 (activator of transcription and developmental regulator AUTS2; plus strand). Cytogenetic location: 7q11.22.
Variant type: single nucleotide variant.
Coding change: c.646G>C on transcript NM_015570.4 (MANE Select); coding-DNA position 646, G replaced by C.
Protein change: p.Gly216Arg; replaces glycine 216 with arginine.
Molecular consequence: missense variant.
Genome position (GRCh38, 1-based): chr7:70,134,557, G>C. VCF-style: chr7-70134557-G-C. GRCh37 (hg19) VCF-style: chr7-69599543-G-C.
Other names: c.646G>C, p.Gly216Arg (NM_001127231.3, NM_001127232.3); c.646G>C (NM_015570.2); short protein forms G216R.
Identifiers: ClinVar variation 1717733 (VCV001717733.5), dbSNP rs2485031011, ClinGen allele CA367703846.

ClinVar aggregate classification (germline): Conflicting classifications of pathogenicity. Review status: criteria provided, conflicting classifications (1 of 4 stars). 2 submissions from 2 submitters: Uncertain significance (1); Likely benign (1). Last evaluated 2024-10-24.

Submissions (2):

Labcorp Genetics (formerly Invitae), Labcorp
Classification: Likely benign. Last evaluated: 2024-10-24. Review status: criteria provided, single submitter. Criteria: Invitae Variant Classification Sherloc (09022015). Collection method: clinical testing. Allele origin: germline.

GeneDx
Classification: Uncertain significance. Last evaluated: 2024-08-16. Review status: criteria provided, single submitter. Criteria: GeneDx Variant Classification Process June 2021. Collection method: clinical testing. Allele origin: germline. Affected: yes.
Comment: Not observed at significant frequency in large population cohorts (gnomAD); In silico analysis supports that this missense variant has a deleterious effect on protein structure/function; Has not been previously published as pathogenic or benign to our knowledge